The following is an entry in ClinVar:

ClinVar aggregate classification (germline): Uncertain significance. Review status: criteria provided, multiple submitters, no conflicts (2 of 4 stars). 2 submissions from 2 submitters: Uncertain significance (2). Last evaluated 2024-03-22.

Conditions:
Carney complex, type 1 (CNC1). Also called: CARNEY MYXOMA-ENDOCRINE COMPLEX; CARNEY COMPLEX, TYPE I. Identifiers: Orphanet 1359, MedGen C2607929, MONDO:0008057, OMIM 160980.
Hereditary cancer-predisposing syndrome. Also called: Hereditary neoplastic syndrome; Neoplastic Syndromes, Hereditary; Tumor predisposition; Hereditary Cancer Syndrome. Identifiers: Orphanet 140162, MedGen C0027672, MeSH D009386, MONDO:0015356.

Allele frequency attached by ClinVar (database versions not stated): gnomAD exomes below 0.00001; ExAC 0.00001.
gnomAD v4.1: 2 of 1,613,964 alleles (0.00012%); highest among the groups gnomAD compares: Admixed American, 0.0017%; no homozygotes.

Submissions (2):

Ambry Genetics
Classification: Uncertain significance for Hereditary cancer-predisposing syndrome. Last evaluated: 2024-03-22. Review status: criteria provided, single submitter. Criteria: Ambry Variant Classification Scheme 2023. Collection method: clinical testing. Allele origin: germline.
Comment: The p.K261E variant (also known as c.781A>G), located in coding exon 8 of the PRKAR1A gene, results from an A to G substitution at nucleotide position 781. The lysine at codon 261 is replaced by glutamic acid, an amino acid with similar properties. This amino acid position is conserved. In addition, this alteration is predicted to be deleterious by in silico analysis. Since supporting evidence is limited at this time, the clinical significance of this alteration remains unclear.

Labcorp Genetics (formerly Invitae), Labcorp
Classification: Uncertain significance for Carney complex, type 1. Last evaluated: 2021-06-21. Review status: criteria provided, single submitter. Criteria: Invitae Variant Classification Sherloc (09022015). Collection method: clinical testing. Allele origin: germline.
Comment: This variant is present in population databases (rs755544940, ExAC 0.009%). This sequence change replaces lysine with glutamic acid at codon 261 of the PRKAR1A protein (p.Lys261Glu). The lysine residue is highly conserved and there is a small physicochemical difference between lysine and glutamic acid. This variant has not been reported in the literature in individuals with PRKAR1A-related conditions. Algorithms developed to predict the effect of missense changes on protein structure and function (SIFT, PolyPhen-2, Align-GVGD) all suggest that this variant is likely to be tolerated, but these predictions have not been confirmed by published functional studies and their clinical significance is uncertain. In summary, the available evidence is currently insufficient to determine the role of this variant in disease. Therefore, it has been classified as a Variant of Uncertain Significance.

NM_002734.5(PRKAR1A):c.781A>G (p.Lys261Glu)

Gene: PRKAR1A (protein kinase cAMP-dependent type I regulatory subunit alpha; plus strand). Cytogenetic location: 17q24.2.
Variant type: single nucleotide variant.
Coding change: c.781A>G on transcript NM_002734.5 (MANE Select); coding-DNA position 781, A replaced by G.
Protein change: p.Lys261Glu; replaces lysine 261 with glutamic acid.
Molecular consequence: missense variant.
Genome position (GRCh38, 1-based): chr17:68,528,881, A>G. VCF-style: chr17-68528881-A-G. GRCh37 (hg19) VCF-style: chr17-66525022-A-G.
Other names: c.781A>G, p.Lys261Glu (NM_001276289.2, NM_001276290.1, NM_001278433.2 and 4 more transcripts); short protein forms K261E.
Identifiers: ClinVar variation 835164 (VCV000835164.13), dbSNP rs755544940, ClinGen allele CA8729391.